The following is an entry in ClinVar:

NM_001348800.3(ZBTB20):c.340A>C (p.Met114Leu)

Gene: ZBTB20 (zinc finger and BTB domain containing 20; minus strand). Cytogenetic location: 3q13.31.
Variant type: single nucleotide variant.
Coding change: c.340A>C on transcript NM_001348800.3 (MANE Select); coding-DNA position 340, A replaced by C.
Protein change: p.Met114Leu; replaces methionine 114 with leucine.
Molecular consequence: missense variant.
Genome position (GRCh38, 1-based): chr3:114,351,738, T>G on the plus strand (A>C on the coding strand, the complement: ZBTB20 is on the minus strand). VCF-style: chr3-114351738-T-G. GRCh37 (hg19) VCF-style: chr3-114070585-T-G.
Other names: c.340A>C, p.Met114Leu (NM_001164342.2, NM_001348803.3, NM_001393393.1 and 1 more transcripts); c.121A>C, p.Met41Leu (NM_001164343.2, NM_001164344.4, NM_001164345.4 and 9 more transcripts); short protein forms M114L, M41L.
Identifiers: ClinVar variation 1957133 (VCV001957133.6), dbSNP rs2550506025, ClinGen allele CA354017305.
Genomic context (GRCh38, chr3:114,351,738, plus strand): 5'-GCAGTTTGTCCTGGAAGAAGGGGCTGCCGGCTGCCAGCACGCAGCGGTGTGCGCGCAGCA[T>G]GCTCCCGTGGATGCGCACCGTTACGTCACAGAAGTGGCCACGGTTGCGCTGCTCGTTGAG-3'
Protein context (NP_001335729.1, residues 104-124): CDVTVRIHGS[Met114Leu]LRAHRCVLAA

ClinVar aggregate classification (germline): Conflicting classifications of pathogenicity. Review status: criteria provided, conflicting classifications (1 of 4 stars). 2 submissions from 2 submitters: Uncertain significance (1); Likely benign (1). Last evaluated 2025-07-31.

Allele frequency attached by ClinVar (database versions not stated): gnomAD exomes below 0.00001.

Submissions (2):

Labcorp Genetics (formerly Invitae), Labcorp
Classification: Uncertain significance. Last evaluated: 2025-07-31. Review status: criteria provided, single submitter. Criteria: Invitae Variant Classification Sherloc (09022015). Collection method: clinical testing. Allele origin: germline.
Comment: This sequence change replaces methionine, which is neutral and non-polar, with leucine, which is neutral and non-polar, at codon 114 of the ZBTB20 protein (p.Met114Leu). This variant is not present in population databases (gnomAD no frequency). This variant has not been reported in the literature in individuals affected with ZBTB20-related conditions. ClinVar contains an entry for this variant (Variation ID: 1957133). Invitae Evidence Modeling of protein sequence and biophysical properties (such as structural, functional, and spatial information, amino acid conservation, physicochemical variation, residue mobility, and thermodynamic stability) has been performed for this missense variant. However, the output from this modeling did not meet the statistical confidence thresholds required to predict the impact of this variant on ZBTB20 protein function. In summary, the available evidence is currently insufficient to determine the role of this variant in disease. Therefore, it has been classified as a Variant of Uncertain Significance.

Blueprint Genetics
Classification: Likely benign. Last evaluated: 2023-01-23. Review status: criteria provided, single submitter. Criteria: ACMG Guidelines, 2015. Collection method: clinical testing. Allele origin: germline.